The following is an entry in ClinVar:

NM_015378.4(VPS13D):c.12206A>T (p.Asp4069Val)

Gene: VPS13D (vacuolar protein sorting 13 homolog D; plus strand). Cytogenetic location: 1p36.22.
Variant type: single nucleotide variant.
Coding change: c.12206A>T on transcript NM_015378.4 (MANE Select); coding-DNA position 12206, A replaced by T.
Protein change: p.Asp4069Val; replaces aspartic acid 4069 with valine.
Molecular consequence: missense variant.
Genome position (GRCh38, 1-based): chr1:12,416,700, A>T. VCF-style: chr1-12416700-A-T. GRCh37 (hg19) VCF-style: chr1-12476753-A-T.
Other names: p.Asp4069Val; c.12131A>T, p.Asp4044Val (NM_018156.4); short protein forms D4044V, D4069V.
Identifiers: ClinVar variation 3372245 (VCV003372245.2).
Genomic context (GRCh38, chr1:12,416,700, plus strand): 5'-CTTCCTGTTCCATTTGGCAGGAACTCCTCAGCCAGGCAGCTCGAATCCTGGGATCAGTGG[A>T]TTTTCTTGGCAATCCTATGGGGCTTTTGAATGATGTTTCTGAAGGGGTTACTGGACTGAT-3'
Protein context (NP_056193.2, residues 4059-4079): SQAARILGSV[Asp4069Val]FLGNPMGLLN

ClinVar aggregate classification (germline): Uncertain significance. Review status: criteria provided, multiple submitters, no conflicts (2 of 4 stars). 2 submissions from 2 submitters: Uncertain significance (2). Last evaluated 2024-04-09.

gnomAD v4.1: 14 of 1,613,720 alleles (0.00087%); highest among the groups gnomAD compares: Non-Finnish European, 0.0012%; no homozygotes.

Submissions (2):

GeneDx
Classification: Uncertain significance. Last evaluated: 2024-04-09. Review status: criteria provided, single submitter. Criteria: GeneDx Variant Classification Process June 2021. Collection method: clinical testing. Allele origin: germline. Affected: yes.
Comment: Not observed at significant frequency in large population cohorts (gnomAD); In silico analysis supports that this missense variant has a deleterious effect on protein structure/function; Has not been previously published as pathogenic or benign to our knowledge

Mayo Clinic Laboratories, Mayo Clinic
Classification: Uncertain significance. Last evaluated: 2023-10-12. Review status: criteria provided, single submitter. Criteria: ACMG Guidelines, 2015. Collection method: clinical testing. Allele origin: germline. Observed: 1 variant allele.
Comment: PP3, PM2_moderate